The following is an entry in ClinVar:

ClinVar aggregate classification (germline): Uncertain significance. Review status: criteria provided, multiple submitters, no conflicts (2 of 4 stars). 3 submissions from 3 submitters: Uncertain significance (3). Last evaluated 2025-09-02.

Allele frequency attached by ClinVar (database versions not stated): gnomAD exomes 0.00003; TOPMed 0.00002; 1000 Genomes Project 30x 0.00016; 1000 Genomes Project 0.00020; ExAC 0.00002.
gnomAD v4.1: 56 of 1,614,180 alleles (0.0035%); highest among the groups gnomAD compares: Admixed American, 0.0083%; no homozygotes.

Submissions (3):

GeneDx
Classification: Uncertain significance. Last evaluated: 2025-09-02. Review status: criteria provided, single submitter. Criteria: GeneDx Variant Classification Process June 2021. Collection method: clinical testing. Allele origin: germline.
Comment: In silico analysis suggests that this missense variant does not alter protein structure/function; Has not been previously published as pathogenic or benign to our knowledge

Labcorp Genetics (formerly Invitae), Labcorp
Classification: Uncertain significance. Last evaluated: 2023-08-04. Review status: criteria provided, single submitter. Criteria: Invitae Variant Classification Sherloc (09022015). Collection method: clinical testing. Allele origin: germline.
Comment: In summary, the available evidence is currently insufficient to determine the role of this variant in disease. Therefore, it has been classified as a Variant of Uncertain Significance. An algorithm developed to predict the effect of missense changes on protein structure and function (PolyPhen-2) suggests that this variant¬†is likely to be tolerated. ClinVar contains an entry for this variant (Variation ID: 1020856). This variant has not been reported in the literature in individuals affected with WHRN-related conditions. This variant is present in population databases (rs142857132, gnomAD 0.01%). This sequence change replaces glutamic acid, which is acidic and polar, with lysine, which is basic and polar, at codon 732 of the WHRN protein (p.Glu732Lys).

Blueprint Genetics
Classification: Uncertain significance. Last evaluated: 2021-03-12. Review status: criteria provided, single submitter. Criteria: ACMG Guidelines, 2015. Collection method: clinical testing. Allele origin: germline.

NM_015404.4(WHRN):c.2194G>A (p.Glu732Lys)

Gene: WHRN (whirlin; minus strand). Cytogenetic location: 9q32.
Variant type: single nucleotide variant.
Coding change: c.2194G>A on transcript NM_015404.4 (MANE Select); coding-DNA position 2194, G replaced by A.
Protein change: p.Glu732Lys; replaces glutamic acid 732 with lysine.
Molecular consequence: missense variant.
Genome position (GRCh38, 1-based): chr9:114,406,397, C>T on the plus strand (G>A on the coding strand, the complement: WHRN is on the minus strand). VCF-style: chr9-114406397-C-T. GRCh37 (hg19) VCF-style: chr9-117168677-C-T.
Other names: c.1045G>A, p.Glu349Lys (NM_001083885.3); c.2194G>A, p.Glu732Lys (NM_001173425.2); c.1141G>A, p.Glu381Lys (NM_001346890.1); c.2194G>A (NM_015404.2); short protein forms E349K, E381K, E732K.
Identifiers: ClinVar variation 1020856 (VCV001020856.10), dbSNP rs142857132, ClinGen allele CA5205720.